The following is an entry in ClinVar:

ClinVar aggregate classification (germline): Uncertain significance (1 of 4 stars; one submission).

Conditions:
Peroxisome biogenesis disorder, complementation group 7 (CG7). Also called: Peroxisome biogenesis disorder, complementation group B. Identifiers: MedGen C1864399.

Allele frequency attached by ClinVar (database versions not stated): gnomAD exomes below 0.00001.
gnomAD v4.1: 4 of 1,613,992 alleles (0.00025%); highest among the groups gnomAD compares: Non-Finnish European, 0.00034%; no homozygotes.

Submission:

Labcorp Genetics (formerly Invitae), Labcorp
Classification: Uncertain significance for Peroxisome biogenesis disorder, complementation group 7. Last evaluated: 2023-12-11. Review status: criteria provided, single submitter. Criteria: Invitae Variant Classification Sherloc (09022015). Collection method: clinical testing. Allele origin: germline.
Comment: This sequence change replaces isoleucine, which is neutral and non-polar, with valine, which is neutral and non-polar, at codon 84 of the PEX10 protein (p.Ile84Val). This variant is not present in population databases (gnomAD no frequency). This variant has not been reported in the literature in individuals affected with PEX10-related conditions. ClinVar contains an entry for this variant (Variation ID: 1929662). An algorithm developed to predict the effect of missense changes on protein structure and function (PolyPhen-2) suggests that this variant is likely to be tolerated. In summary, the available evidence is currently insufficient to determine the role of this variant in disease. Therefore, it has been classified as a Variant of Uncertain Significance.

NM_002617.4(PEX10):c.250A>G (p.Ile84Val)

Gene: PEX10 (peroxisomal biogenesis factor 10; minus strand). Cytogenetic location: 1p36.32.
Variant type: single nucleotide variant.
Coding change: c.250A>G on transcript NM_002617.4 (MANE Select); coding-DNA position 250, A replaced by G.
Protein change: p.Ile84Val; replaces isoleucine 84 with valine.
Molecular consequence: missense variant. On other transcripts: 5 prime UTR variant (2), non-coding transcript variant (1).
Genome position (GRCh38, 1-based): chr1:2,408,802, T>C on the plus strand (A>G on the coding strand, the complement: PEX10 is on the minus strand). VCF-style: chr1-2408802-T-C. GRCh37 (hg19) VCF-style: chr1-2340241-T-C.
Other names: c.250A>G, p.Ile84Val (NM_001374425.1, NM_153818.2); c.-183A>G (NM_001374426.1, NM_001374427.1); short protein forms I84V.
Identifiers: ClinVar variation 1929662 (VCV001929662.5), dbSNP rs2522280023, ClinGen allele CA337988950.
Genomic context (GRCh38, chr1:2,408,802, plus strand): 5'-AGGGCAGGACGGCATGCAGTGTCACCAGCACGCCACGGCGCAGCGAGGAGGGCACATGTA[T>C]CCGCGATGGGTCCACCTGGATGATGCTGACGTACTCCTCCCCCAGGGTCTGGTAGCCTGC-3'
Protein context (NP_002608.1, residues 74-94): VSIIQVDPSR[Ile84Val]HVPSSLRRGV